The following is an entry in ClinVar:

NM_000256.3(MYBPC3):c.2469del (p.Phe823fs)

Gene: MYBPC3 (myosin binding protein C3; minus strand). Cytogenetic location: 11p11.2.
Variant type: Deletion.
Coding change: c.2469del on transcript NM_000256.3 (MANE Select); coding-DNA position 2469, one base deleted (C; older notation c.2469delC).
Protein change: p.Phe823fs; shifts the reading frame from phenylalanine 823.
Molecular consequence: frameshift variant.
Genome position (GRCh38, 1-based): chr11:47,337,524, G deleted on the plus strand (C on the coding strand, the reverse complement: MYBPC3 is on the minus strand). VCF-style (leftmost placement, unchanged base first): chr11-47337523-CG-C. GRCh37 (hg19) VCF-style: chr11-47359074-CG-C.
Other names: short protein forms F823fs.
Identifiers: ClinVar variation 2749151 (VCV002749151.3), dbSNP rs2495749748, ClinGen allele CA2697548560.

ClinVar aggregate classification (germline): Pathogenic (1 of 4 stars; one submission).

Conditions:
Hypertrophic cardiomyopathy. Also called: HYPERTROPHIC MYOCARDIOPATHY. Identifiers: Orphanet 217569, MedGen C0007194, MeSH D002312, MONDO:0005045, HP:0001639.

Submission:

Labcorp Genetics (formerly Invitae), Labcorp
Classification: Pathogenic for Hypertrophic cardiomyopathy. Last evaluated: 2024-05-26. Review status: criteria provided, single submitter. Criteria: Invitae Variant Classification Sherloc (09022015). Collection method: clinical testing. Allele origin: germline.
Comment: This sequence change creates a premature translational stop signal (p.Phe823Leufs*3) in the MYBPC3 gene. It is expected to result in an absent or disrupted protein product. Loss-of-function variants in MYBPC3 are known to be pathogenic (PMID: 19574547). This variant is not present in population databases (gnomAD no frequency). This variant has not been reported in the literature in individuals affected with MYBPC3-related conditions. For these reasons, this variant has been classified as Pathogenic.

Literature cited by the submitters: PubMed 19574547.